The following is an entry in ClinVar:

NM_017852.5(NLRP2):c.2030+10G>A

Gene: NLRP2 (NLR family pyrin domain containing 2; plus strand). Cytogenetic location: 19q13.42.
Variant type: single nucleotide variant.
Coding change: c.2030+10G>A on transcript NM_017852.5 (MANE Select); 10 bases into the intron after coding-DNA position 2030, G replaced by A.
Molecular consequence: intron variant.
Genome position (GRCh38, 1-based): chr19:54,983,738, G>A. VCF-style: chr19-54983738-G-A. GRCh37 (hg19) VCF-style: chr19-55495106-G-A.
Other names: c.2030+10G>A (NM_001174081.3); c.2021+10G>A (NM_001348003.2); c.1964+10G>A (NM_001174082.3); c.1961+10G>A (NM_001174083.2).
Identifiers: ClinVar variation 3055315 (VCV003055315.2), dbSNP rs7254951, ClinGen allele CA310106233.

ClinVar aggregate classification (germline): Benign (0 of 4 stars; one submission).

Conditions:
NLRP2-related disorder. Also called: NLRP2-related condition.

Allele frequency attached by ClinVar (database versions not stated): 1000 Genomes Project 0.06230; 1000 Genomes Project 30x 0.06355; ExAC 0.06437; gnomAD 0.07040; TOPMed 0.07080; ESP Exome Variant Server 0.07644.
gnomAD v4.1: 101,613 of 1,607,662 alleles (6.3%); highest among the groups gnomAD compares: South Asian, 11%; 3,711 homozygotes.

Submission:

PreventionGenetics, part of Exact Sciences
Classification: Benign for NLRP2-related condition. Last evaluated: 2019-03-21. Review status: no assertion criteria provided. Collection method: clinical testing. Allele origin: germline.
Comment: This variant is classified as benign based on ACMG/AMP sequence variant interpretation guidelines (Richards et al. 2015 PMID: 25741868, with internal and published modifications).